The following is an entry in ClinVar:

NM_018127.7(ELAC2):c.225C>T (p.Tyr75=)

Gene: ELAC2 (elaC ribonuclease Z 2; minus strand). Cytogenetic location: 17p12.
Variant type: single nucleotide variant.
Coding change: c.225C>T on transcript NM_018127.7 (MANE Select); coding-DNA position 225, C replaced by T.
Protein change: p.Tyr75=; no amino-acid change (tyrosine 75 retained).
Molecular consequence: synonymous variant.
Genome position (GRCh38, 1-based): chr17:13,017,723, G>A on the plus strand (C>T on the coding strand, the complement: ELAC2 is on the minus strand). VCF-style: chr17-13017723-G-A. GRCh37 (hg19) VCF-style: chr17-12921040-G-A.
Other names: c.225C>T, p.Tyr75= (NM_001165962.2, NM_173717.2).
Identifiers: ClinVar variation 514262 (VCV000514262.3), dbSNP rs766731755, ClinGen allele CA8401804.

ClinVar aggregate classification (germline): Likely benign. Review status: criteria provided, multiple submitters, no conflicts (2 of 4 stars). 2 submissions from 2 submitters: Likely benign (2). Last evaluated 2025-06-24.

Conditions:
Combined oxidative phosphorylation defect type 17. Also called: Combined oxidative phosphorylation deficiency 17. Identifiers: Orphanet 369913, MedGen C3809526, MONDO:0014190, OMIM 615440.

Allele frequency attached by ClinVar (database versions not stated): TOPMed below 0.00001.
gnomAD v4.1: 2 of 1,612,868 alleles (0.00012%); highest among the groups gnomAD compares: African/African-American, 0.0013%; no homozygotes.

Submissions (2):

Labcorp Genetics (formerly Invitae), Labcorp
Classification: Likely benign for Combined oxidative phosphorylation defect type 17. Last evaluated: 2025-06-24. Review status: criteria provided, single submitter. Criteria: Invitae Variant Classification Sherloc (09022015). Collection method: clinical testing. Allele origin: germline.

GeneDx
Classification: Likely benign. Last evaluated: 2018-01-12. Review status: criteria provided, single submitter. Criteria: GeneDx Variant Classification (06012015). Collection method: clinical testing. Allele origin: germline. Affected: yes.
Comment: This variant is considered likely benign or benign based on one or more of the following criteria: it is a conservative change, it occurs at a poorly conserved position in the protein, it is predicted to be benign by multiple in silico algorithms, and/or has population frequency not consistent with disease.